The following is an entry in ClinVar:

NM_001211.6(BUB1B):c.1967G>A (p.Cys656Tyr)

Gene: BUB1B (BUB1 mitotic checkpoint serine/threonine kinase B; plus strand). Cytogenetic location: 15q15.1.
Variant type: single nucleotide variant.
Coding change: c.1967G>A on transcript NM_001211.6 (MANE Select); coding-DNA position 1967, G replaced by A.
Protein change: p.Cys656Tyr; replaces cysteine 656 with tyrosine.
Molecular consequence: missense variant.
Genome position (GRCh38, 1-based): chr15:40,206,416, G>A. VCF-style: chr15-40206416-G-A. GRCh37 (hg19) VCF-style: chr15-40498617-G-A.
Other names: short protein forms C656Y.
Identifiers: ClinVar variation 2497655 (VCV002497655.2), dbSNP rs2037637721, ClinGen allele CA391692821.

ClinVar aggregate classification (germline): Uncertain significance (1 of 4 stars; one submission).

Conditions:
Inborn genetic diseases. Identifiers: MedGen C0950123, MeSH D030342.

Submission:

Ambry Genetics
Classification: Uncertain significance for Inborn genetic diseases. Last evaluated: 2023-03-05. Review status: criteria provided, single submitter. Criteria: Ambry Variant Classification Scheme 2023. Collection method: clinical testing. Allele origin: germline.
Comment: The p.C656Y variant (also known as c.1967G>A), located in coding exon 15 of the BUB1B gene, results from a G to A substitution at nucleotide position 1967. The cysteine at codon 656 is replaced by tyrosine, an amino acid with highly dissimilar properties. This amino acid position is conserved. In addition, this alteration is predicted to be tolerated by in silico analysis. Since supporting evidence is limited at this time, the clinical significance of this alteration remains unclear.